The following is an entry in ClinVar:

ClinVar aggregate classification (germline): Uncertain significance (1 of 4 stars; one submission).

Conditions:
Inborn genetic diseases. Identifiers: MedGen C0950123, MeSH D030342.

gnomAD v4.1: 1 of 1,613,908 alleles (0.000062%); highest among the groups gnomAD compares: Non-Finnish European, 0.000085%; no homozygotes.

Submission:

Ambry Genetics
Classification: Uncertain significance for Inborn genetic diseases. Last evaluated: 2025-09-04. Review status: criteria provided, single submitter. Criteria: Ambry Variant Classification Scheme 2023. Collection method: clinical testing. Allele origin: germline.
Comment: The p.T1033A variant (also known as c.3097A>G), located in coding exon 1 of the SAMD9 gene, results from an A to G substitution at nucleotide position 3097. The threonine at codon 1033 is replaced by alanine, an amino acid with similar properties. This amino acid position is conserved. In addition, this alteration is predicted to be tolerated by in silico analysis. Based on the available evidence, the clinical significance of this variant remains unclear.

NM_017654.4(SAMD9):c.3097A>G (p.Thr1033Ala)

Gene: SAMD9 (sterile alpha motif domain containing 9; minus strand). Cytogenetic location: 7q21.2.
Variant type: single nucleotide variant.
Coding change: c.3097A>G on transcript NM_017654.4 (MANE Select); coding-DNA position 3097, A replaced by G.
Protein change: p.Thr1033Ala; replaces threonine 1033 with alanine.
Molecular consequence: missense variant.
Genome position (GRCh38, 1-based): chr7:93,103,001, T>C on the plus strand (A>G on the coding strand, the complement: SAMD9 is on the minus strand). VCF-style: chr7-93103001-T-C. GRCh37 (hg19) VCF-style: chr7-92732314-T-C.
Other names: c.3097A>G, p.Thr1033Ala (NM_001193307.2); short protein forms T1033A.
Identifiers: ClinVar variation 4159210 (VCV004159210.1).